The following is an entry in ClinVar:

ClinVar aggregate classification (germline): Pathogenic/Likely pathogenic. Review status: criteria provided, multiple submitters, no conflicts (2 of 4 stars). 2 submissions from 2 submitters: Pathogenic (1); Likely pathogenic (1). Last evaluated 2024-08-05.

Conditions:
Early-infantile DEE. Also called: Early infantile epileptic encephalopathy; Early infantile epileptic encephalopathy with suppression bursts; Ohtahara syndrome. Identifiers: Orphanet 1934, MedGen C0393706, MONDO:0800491.

Submissions (2):

Labcorp Genetics (formerly Invitae), Labcorp
Classification: Pathogenic for Early-infantile DEE. Last evaluated: 2024-08-05. Review status: criteria provided, single submitter. Criteria: Invitae Variant Classification Sherloc (09022015). Collection method: clinical testing. Allele origin: germline.
Comment: This variant, c.5725_5727del, results in the deletion of 1 amino acid(s) of the SCN1A protein (p.Thr1909del), but otherwise preserves the integrity of the reading frame. This variant is not present in population databases (gnomAD no frequency). This variant has been observed in individual(s) with severe myoclonic epilepsy of infancy syndrome and/or generalized epilepsy (PMID: 21248271, 28102150). In at least one individual the variant was observed to be de novo. ClinVar contains an entry for this variant (Variation ID: 530525). This variant disrupts the p.Thr1909 amino acid residue in SCN1A. Other variant(s) that disrupt this residue have been determined to be pathogenic (PMID: 12083760, 17054685, 28202706). This suggests that this residue is clinically significant, and that variants that disrupt this residue are likely to be disease-causing. For these reasons, this variant has been classified as Pathogenic.

GeneDx
Classification: Likely pathogenic. Last evaluated: 2022-08-07. Review status: criteria provided, single submitter. Criteria: GeneDx Variant Classification Process June 2021. Collection method: clinical testing. Allele origin: germline. Affected: yes.
Comment: Not observed at significant frequency in large population cohorts (gnomAD); This deletion is predicted to be within the C-terminal cytoplasmic domain; In-frame deletion of 1 amino acid in a non-repeat region predicted to critically alter the protein; This variant is associated with the following publications: (PMID: 28102150, 32090326, 21248271)

Literature cited by the submitters: PubMed 21248271 (cited by Labcorp Genetics (formerly Invitae), Labcorp); PubMed 28102150 (cited by Labcorp Genetics (formerly Invitae), Labcorp); PubMed 12083760 (cited by Labcorp Genetics (formerly Invitae), Labcorp); PubMed 17054685 (cited by Labcorp Genetics (formerly Invitae), Labcorp); PubMed 28202706 (cited by Labcorp Genetics (formerly Invitae), Labcorp).

NM_001165963.4(SCN1A):c.5719ACT[2] (p.Thr1909del)

Genes: SCN1A (sodium voltage-gated channel alpha subunit 1; minus strand), LOC102724058 (uncharacterized LOC102724058; plus strand). Cytogenetic location: 2q24.3.
Variant type: Microsatellite.
Coding change: c.5719ACT[2] on transcript NM_001165963.4 (MANE Select); two copies in a row of the 3-base unit ACT starting at c.5719; the reference has three copies in a row; one copy, 3 bases deleted; also written c.5725_5727del.
Protein change: p.Thr1909del; deletes threonine 1909.
Molecular consequence: inframe deletion. On other transcripts: non-coding transcript variant (1).
Genome position (GRCh38, 1-based): chr2:165,991,548-165,991,550, AGT deleted on the plus strand (ACT on the coding strand, the reverse complement: SCN1A is on the minus strand); deleting any 3 consecutive bases within chr2:165,991,548-165,991,556 gives the same sequence; the position shown is the placement nearest the transcript's 3' end. VCF-style (leftmost placement, unchanged base first): chr2-165991547-AAGT-A. GRCh37 (hg19) VCF-style: chr2-166848057-AAGT-A.
Other names: c.5635ACT[2], p.Thr1881del (NM_001165964.3, NM_001353957.2, NM_001353958.2); c.5719ACT[2], p.Thr1909del (NM_001202435.3, NM_001353948.2); c.5686ACT[2], p.Thr1898del (NM_001353949.2, NM_001353950.2, NM_001353951.2 and 2 more transcripts); c.5683ACT[2], p.Thr1897del (NM_001353954.2, NM_001353955.2); c.5632ACT[2], p.Thr1880del (NM_001353960.2); c.3277ACT[2], p.Thr1095del (NM_001353961.2); c.5725_5727delACT (NM_001165963.1); c.5725_5727del (NM_001165963.1); short protein forms T1909del, T1898del, T1880del, T1095del, T1881del, T1897del.
Identifiers: ClinVar variation 530525 (VCV000530525.10), dbSNP rs1553519902, ClinGen allele CA658795913.
Genomic context (GRCh38, chr2:165,991,547, plus strand): 5'-GGTGGCGTCTGTAAGCACGCTGAATAATGACAGCAGATACTTCCTCTTGTTTTCGTTTTA[AAGT>A]AGTAGTGATTGGCTGATAGGAGACCTTGGAAGGATTGGAAGCCATGAATCGCTCTTCCAT-3'